The following is an entry in ClinVar:

NM_001375524.1(TRRAP):c.10666G>C (p.Glu3556Gln)

Gene: TRRAP (transformation/transcription domain associated protein; plus strand). Cytogenetic location: 7q22.1.
Variant type: single nucleotide variant.
Coding change: c.10666G>C on transcript NM_001375524.1 (MANE Select); coding-DNA position 10666, G replaced by C.
Protein change: p.Glu3556Gln; replaces glutamic acid 3556 with glutamine.
Molecular consequence: missense variant.
Genome position (GRCh38, 1-based): chr7:99,005,261, G>C. VCF-style: chr7-99005261-G-C. GRCh37 (hg19) VCF-style: chr7-98602884-G-C.
Other names: c.10624G>C, p.Glu3542Gln (NM_001244580.2); c.10537G>C, p.Glu3513Gln (NM_003496.4); short protein forms E3513Q, E3542Q, E3556Q.
Identifiers: ClinVar variation 4763268 (VCV004763268.1).

ClinVar aggregate classification (germline): Uncertain significance (1 of 4 stars; one submission).

Submission:

Labcorp Genetics (formerly Invitae), Labcorp
Classification: Uncertain significance. Last evaluated: 2025-07-15. Review status: criteria provided, single submitter. Criteria: Invitae Variant Classification Sherloc (09022015). Collection method: clinical testing. Allele origin: germline.
Comment: This sequence change replaces glutamic acid, which is acidic and polar, with glutamine, which is neutral and polar, at codon 3513 of the TRRAP protein (p.Glu3513Gln). This variant is not present in population databases (gnomAD no frequency). This variant has not been reported in the literature in individuals affected with TRRAP-related conditions. Invitae Evidence Modeling of protein sequence and biophysical properties (such as structural, functional, and spatial information, amino acid conservation, physicochemical variation, residue mobility, and thermodynamic stability) indicates that this missense variant is expected to disrupt TRRAP protein function with a positive predictive value of 80%. In summary, the available evidence is currently insufficient to determine the role of this variant in disease. Therefore, it has been classified as a Variant of Uncertain Significance.